The following is an entry in ClinVar:

NM_001710.6(CFB):c.1897G>T (p.Val633Leu)

Gene: CFB (complement factor B; plus strand). Cytogenetic location: 6p21.33.
Variant type: single nucleotide variant.
Coding change: c.1897G>T on transcript NM_001710.6 (MANE Select); coding-DNA position 1897, G replaced by T.
Protein change: p.Val633Leu; replaces valine 633 with leucine.
Molecular consequence: missense variant.
Genome position (GRCh38, 1-based): chr6:31,951,185, G>T. VCF-style: chr6-31951185-G-T. GRCh37 (hg19) VCF-style: chr6-31918962-G-T.
Other names: short protein forms V633L.
Identifiers: ClinVar variation 1371146 (VCV001371146.6), dbSNP rs2151787857, ClinGen allele CA363410915.

ClinVar aggregate classification (germline): Uncertain significance (1 of 4 stars; one submission).

gnomAD v4.1: 6 of 1,613,068 alleles (0.00037%); highest among the groups gnomAD compares: African/African-American, 0.0013%; no homozygotes.

Submission:

Labcorp Genetics (formerly Invitae), Labcorp
Classification: Uncertain significance. Last evaluated: 2025-04-28. Review status: criteria provided, single submitter. Criteria: Invitae Variant Classification Sherloc (09022015). Collection method: clinical testing. Allele origin: germline.
Comment: This sequence change replaces valine, which is neutral and non-polar, with leucine, which is neutral and non-polar, at codon 633 of the CFB protein (p.Val633Leu). This variant is not present in population databases (gnomAD no frequency). This variant has not been reported in the literature in individuals affected with CFB-related conditions. ClinVar contains an entry for this variant (Variation ID: 1371146). Invitae Evidence Modeling of protein sequence and biophysical properties (such as structural, functional, and spatial information, amino acid conservation, physicochemical variation, residue mobility, and thermodynamic stability) indicates that this missense variant is not expected to disrupt CFB protein function with a negative predictive value of 80%. In summary, the available evidence is currently insufficient to determine the role of this variant in disease. Therefore, it has been classified as a Variant of Uncertain Significance.